The following is an entry in ClinVar:

ClinVar aggregate classification (germline): Uncertain significance (1 of 4 stars; one submission).

Allele frequency attached by ClinVar (database versions not stated): TOPMed 0.00002; gnomAD 0.00003; ExAC 0.00004; ESP Exome Variant Server 0.00008.
gnomAD v4.1: 43 of 1,610,988 alleles (0.0027%); highest among the groups gnomAD compares: Middle Eastern, 0.033%; no homozygotes.

Submission:

Labcorp Genetics (formerly Invitae), Labcorp
Classification: Uncertain significance. Last evaluated: 2022-01-07. Review status: criteria provided, single submitter. Criteria: Invitae Variant Classification Sherloc (09022015). Collection method: clinical testing. Allele origin: germline.
Comment: In summary, the available evidence is currently insufficient to determine the role of this variant in disease. Therefore, it has been classified as a Variant of Uncertain Significance. Algorithms developed to predict the effect of missense changes on protein structure and function (SIFT, PolyPhen-2, Align-GVGD) all suggest that this variant is likely to be tolerated. This variant has not been reported in the literature in individuals affected with CABP2-related conditions. This variant is present in population databases (rs372607625, gnomAD 0.009%). This sequence change replaces valine, which is neutral and non-polar, with methionine, which is neutral and non-polar, at codon 174 of the CABP2 protein (p.Val174Met).

NM_016366.3(CABP2):c.520G>A (p.Val174Met)

Gene: CABP2 (calcium binding protein 2; minus strand). Cytogenetic location: 11q13.2.
Variant type: single nucleotide variant.
Coding change: c.520G>A on transcript NM_016366.3 (MANE Select); coding-DNA position 520, G replaced by A.
Protein change: p.Val174Met; replaces valine 174 with methionine.
Molecular consequence: missense variant.
Genome position (GRCh38, 1-based): chr11:67,519,910, C>T on the plus strand (G>A on the coding strand, the complement: CABP2 is on the minus strand). VCF-style: chr11-67519910-C-T. GRCh37 (hg19) VCF-style: chr11-67287381-C-T.
Other names: c.538G>A, p.Val180Met (NM_001318496.2); short protein forms V174M, V180M.
Identifiers: ClinVar variation 2194221 (VCV002194221.2), dbSNP rs372607625, ClinGen allele CA6142398.